The following is an entry in ClinVar:

ClinVar aggregate classification (germline): Uncertain significance. Review status: criteria provided, multiple submitters, no conflicts (2 of 4 stars). 2 submissions from 2 submitters: Uncertain significance (2). Last evaluated 2021-07-12.

Conditions:
Severe combined immunodeficiency due to LCK deficiency. Also called: Immunodeficiency 22. Identifiers: Orphanet 280142, MedGen C4014233, MONDO:0014334, OMIM 615758.

Allele frequency attached by ClinVar (database versions not stated): TOPMed below 0.00001.

Submissions (2):

Blueprint Genetics
Classification: Uncertain significance. Last evaluated: 2021-07-12. Review status: criteria provided, single submitter. Criteria: ACMG Guidelines, 2015. Collection method: clinical testing. Allele origin: germline.

Labcorp Genetics (formerly Invitae), Labcorp
Classification: Uncertain significance for Immunodeficiency 22. Last evaluated: 2019-03-18. Review status: criteria provided, single submitter. Criteria: Invitae Variant Classification Sherloc (09022015). Collection method: clinical testing. Allele origin: germline.
Comment: This sequence change replaces isoleucine with methionine at codon 90 of the LCK protein (p.Ile90Met). The isoleucine residue is highly conserved and there is a small physicochemical difference between isoleucine and methionine. This variant is not present in population databases (ExAC no frequency). This variant has not been reported in the literature in individuals with LCK-related conditions. Algorithms developed to predict the effect of missense changes on protein structure and function are either unavailable or do not agree on the potential impact of this missense change (SIFT: "Deleterious"; PolyPhen-2: "Possibly Damaging"; Align-GVGD: "Class C0"). In summary, the available evidence is currently insufficient to determine the role of this variant in disease. Therefore, it has been classified as a Variant of Uncertain Significance.

NM_005356.5(LCK):c.270C>G (p.Ile90Met)

Gene: LCK (LCK proto-oncogene, Src family tyrosine kinase; plus strand). Cytogenetic location: 1p35.2.
Variant type: single nucleotide variant.
Coding change: c.270C>G on transcript NM_005356.5 (MANE Select); coding-DNA position 270, C replaced by G.
Protein change: p.Ile90Met; replaces isoleucine 90 with methionine.
Molecular consequence: missense variant.
Genome position (GRCh38, 1-based): chr1:32,275,075, C>G. VCF-style: chr1-32275075-C-G. GRCh37 (hg19) VCF-style: chr1-32740676-C-G.
Other names: c.270C>G, p.Ile90Met (NM_001042771.3, NM_001330468.2); short protein forms I90M.
Identifiers: ClinVar variation 845184 (VCV000845184.2), dbSNP rs1640215337, ClinGen allele CA339636727.